The following is an entry in ClinVar:

NM_001164665.2(KIAA1549):c.2951G>A (p.Arg984His)

Gene: KIAA1549 (KIAA1549; minus strand). Cytogenetic location: 7q34.
Variant type: single nucleotide variant.
Coding change: c.2951G>A on transcript NM_001164665.2 (MANE Select); coding-DNA position 2951, G replaced by A.
Protein change: p.Arg984His; replaces arginine 984 with histidine.
Molecular consequence: missense variant.
Genome position (GRCh38, 1-based): chr7:138,912,388, C>T on the plus strand (G>A on the coding strand, the complement: KIAA1549 is on the minus strand). VCF-style: chr7-138912388-C-T. GRCh37 (hg19) VCF-style: chr7-138597134-C-T.
Other names: c.2951G>A, p.Arg984His (NM_020910.3); short protein forms R984H.
Identifiers: ClinVar variation 959727 (VCV000959727.6), dbSNP rs778279675, ClinGen allele CA4506360.
Genomic context (GRCh38, chr7:138,912,388, plus strand): 5'-CCCAGTCTCACCAGACATCACACTCCTGAGCCACCAGGACTCACCTTCAGTTCCACTGCA[C>T]GGTTGAAGTGAATCCTCAGTACTTCTTTGATTGCTGTAATGATGTACTCCTGCACAGCTC-3'
Protein context (NP_001158137.1, residues 974-994): IKEVLRIHFN[Arg984His]AVELKVYELF

ClinVar aggregate classification (germline): Uncertain significance. Review status: criteria provided, multiple submitters, no conflicts (2 of 4 stars). 2 submissions from 2 submitters: Uncertain significance (2). Last evaluated 2024-10-29.

Allele frequency attached by ClinVar (database versions not stated): ExAC 0.00002; gnomAD exomes 0.00002; TOPMed 0.00006; gnomAD 0.00007 and 0.00008.
gnomAD v4.1: 64 of 1,613,244 alleles (0.004%); highest among the groups gnomAD compares: Middle Eastern, 0.016%; no homozygotes.

Submissions (2):

Labcorp Genetics (formerly Invitae), Labcorp
Classification: Uncertain significance. Last evaluated: 2024-10-29. Review status: criteria provided, single submitter. Criteria: Invitae Variant Classification Sherloc (09022015). Collection method: clinical testing. Allele origin: germline.
Comment: This sequence change replaces arginine, which is basic and polar, with histidine, which is basic and polar, at codon 984 of the KIAA1549 protein (p.Arg984His). This variant is present in population databases (rs778279675, gnomAD 0.01%). This variant has not been reported in the literature in individuals affected with KIAA1549-related conditions. ClinVar contains an entry for this variant (Variation ID: 959727). An algorithm developed to predict the effect of missense changes on protein structure and function (PolyPhen-2) suggests that this variant is likely to be disruptive. In summary, the available evidence is currently insufficient to determine the role of this variant in disease. Therefore, it has been classified as a Variant of Uncertain Significance.

Blueprint Genetics
Classification: Uncertain significance. Last evaluated: 2024-09-12. Review status: criteria provided, single submitter. Criteria: ACMG Guidelines, 2015. Collection method: clinical testing. Allele origin: germline.